The following is an entry in ClinVar:

ClinVar aggregate classification (germline): Uncertain significance (1 of 4 stars; one submission).

Conditions:
Hereditary cancer-predisposing syndrome. Also called: Neoplastic Syndromes, Hereditary; Tumor predisposition; Hereditary Cancer Syndrome; Hereditary neoplastic syndrome. Identifiers: Orphanet 140162, MedGen C0027672, MeSH D009386, MONDO:0015356.

Submission:

Ambry Genetics
Classification: Uncertain significance for Hereditary cancer-predisposing syndrome. Last evaluated: 2026-03-27. Review status: criteria provided, single submitter. Criteria: Ambry Variant Classification Scheme 2023. Collection method: clinical testing. Allele origin: germline.
Comment: The p.D162V variant (also known as c.485A>T), located in coding exon 5 of the TSC2 gene, results from an A to T substitution at nucleotide position 485. The aspartic acid at codon 162 is replaced by valine, an amino acid with highly dissimilar properties. This amino acid position is conserved. In addition, the in silico prediction for this alteration is inconclusive. Based on the available evidence, the clinical significance of this variant remains unclear.

NM_000548.5(TSC2):c.485A>T (p.Asp162Val)

Gene: TSC2 (TSC complex subunit 2; plus strand). Cytogenetic location: 16p13.3.
Variant type: single nucleotide variant.
Coding change: c.485A>T on transcript NM_000548.5 (MANE Select); coding-DNA position 485, A replaced by T.
Protein change: p.Asp162Val; replaces aspartic acid 162 with valine.
Molecular consequence: missense variant. On other transcripts: 5 prime UTR variant (13), non-coding transcript variant (5), intron variant (7).
Genome position (GRCh38, 1-based): chr16:2,055,405, A>T. VCF-style: chr16-2055405-A-T. GRCh37 (hg19) VCF-style: chr16-2105406-A-T.
Other names: c.518A>T, p.Asp173Val (NM_001318832.2); c.485A>T, p.Asp162Val (NM_001363528.2, NM_001370404.1, NM_001370405.1 and 8 more transcripts); c.575A>T, p.Asp192Val (NM_001406667.1, NM_001406668.1); c.-947A>T (NM_001406689.1, NM_001406690.1, NM_001406691.1 and 2 more transcripts); c.-1163A>T (NM_001406693.1); c.-828A>T (NM_001406694.1, NM_001406695.1); c.-935A>T (NM_001406696.1); c.-1123A>T (NM_001406698.1); and 6 more; short protein forms D113V, D125V, D143V, D162V, D173V, D192V.
Identifiers: ClinVar variation 4866072 (VCV004866072.1).